The following is an entry in ClinVar:

NM_015662.3(IFT172):c.3822-8C>G

Genes: IFT172 (intraflagellar transport 172; minus strand), LOC126806173 (BRD4-independent group 4 enhancer GRCh37_chr2:27676057-27677256; plus strand). Cytogenetic location: 2p23.3.
Variant type: single nucleotide variant.
Coding change: c.3822-8C>G on transcript NM_015662.3 (MANE Select); 8 bases into the intron before coding-DNA position 3822, C replaced by G.
Molecular consequence: intron variant.
Genome position (GRCh38, 1-based): chr2:27,453,521, G>C on the plus strand (C>G on the coding strand, the complement: IFT172 is on the minus strand). VCF-style: chr2-27453521-G-C. GRCh37 (hg19) VCF-style: chr2-27676388-G-C.
Other names: c.3756-8C>G (NM_001410739.1).
Identifiers: ClinVar variation 3357864 (VCV003357864.1).
Genomic context (GRCh38, chr2:27,453,521, plus strand): 5'-ACTCTCCAGCCTGCTCCCAGTGTCGAGCTTGTTCCACAAATCCCTCCACACCCCTGTGGA[G>C]ATGAGAGCGCTGGGACTTGGCATGGTAGGGGGGCAGCATGCTCTATCCTGTGTATGCCTC-3'

ClinVar aggregate classification (germline): Likely benign (0 of 4 stars; one submission).

Conditions:
IFT172-related disorder. Also called: IFT172-related disorders; IFT172-related condition.

Submission:

PreventionGenetics, part of Exact Sciences
Classification: Likely benign for IFT172-related condition. Last evaluated: 2021-06-16. Review status: no assertion criteria provided. Collection method: clinical testing. Allele origin: germline.
Comment: This variant is classified as likely benign based on ACMG/AMP sequence variant interpretation guidelines (Richards et al. 2015 PMID: 25741868, with internal and published modifications).